The following is an entry in ClinVar:

NM_021930.6(RINT1):c.1042A>G (p.Thr348Ala)

Gene: RINT1 (RAD50 interactor 1; plus strand). Cytogenetic location: 7q22.3.
Variant type: single nucleotide variant.
Coding change: c.1042A>G on transcript NM_021930.6 (MANE Select); coding-DNA position 1042, A replaced by G.
Protein change: p.Thr348Ala; replaces threonine 348 with alanine.
Molecular consequence: missense variant. On other transcripts: non-coding transcript variant (1).
Genome position (GRCh38, 1-based): chr7:105,550,100, A>G. VCF-style: chr7-105550100-A-G. GRCh37 (hg19) VCF-style: chr7-105190547-A-G.
Other names: c.808A>G, p.Thr270Ala (NM_001346599.2); c.19A>G, p.Thr7Ala (NM_001346600.2, NM_001346603.2); c.118A>G, p.Thr40Ala (NM_001346601.2); short protein forms T348A, T270A, T40A, T7A.
Identifiers: ClinVar variation 3314459 (VCV003314459.1).

ClinVar aggregate classification (germline): Uncertain significance (1 of 4 stars; one submission).

gnomAD v4.1: 1 of 1,613,724 alleles (0.000062%); highest among the groups gnomAD compares: African/African-American, 0.0013%; no homozygotes.

Submission:

Ambry Genetics
Classification: Uncertain significance. Last evaluated: 2024-04-25. Review status: criteria provided, single submitter. Criteria: Ambry Variant Classification Scheme 2023. Collection method: clinical testing. Allele origin: germline.
Comment: The p.T348A variant (also known as c.1042A>G), located in coding exon 8 of the RINT1 gene, results from an A to G substitution at nucleotide position 1042. The threonine at codon 348 is replaced by alanine, an amino acid with similar properties. This amino acid position is conserved. In addition, this alteration is predicted to be tolerated by in silico analysis. Based on the available evidence, the clinical significance of this variant remains unclear.